The following is an entry in ClinVar:

ClinVar aggregate classification (germline): Benign. Review status: criteria provided, multiple submitters, no conflicts (2 of 4 stars). 4 submissions from 4 submitters: Benign (4). Last evaluated 2026-01-27.

Conditions:
Congenital brain dysgenesis due to glutamine synthetase deficiency (GLND). Also called: GLUTAMINE SYNTHASE DEFICIENCY, CONGENITAL SYSTEMIC. Identifiers: Orphanet 71278, MedGen C1864910, MONDO:0012393, OMIM 610015.

Allele frequency attached by ClinVar (database versions not stated): gnomAD exomes 0.00048 and 0.00138; ExAC 0.00181; TOPMed 0.00566; ESP Exome Variant Server 0.00646; 1000 Genomes Project 0.00719; 1000 Genomes Project 30x 0.00734.
gnomAD v4.1: 1,564 of 1,613,838 alleles (0.097%); highest among the groups gnomAD compares: African/African-American, 1.9%; 16 homozygotes.

Submissions (4):

Labcorp Genetics (formerly Invitae), Labcorp
Classification: Benign for Congenital brain dysgenesis due to glutamine synthetase deficiency. Last evaluated: 2026-01-27. Review status: criteria provided, single submitter. Criteria: Invitae Variant Classification Sherloc (09022015). Collection method: clinical testing. Allele origin: germline.

Mayo Clinic Laboratories, Mayo Clinic
Classification: Benign. Last evaluated: 2019-05-13. Review status: criteria provided, single submitter. Criteria: ACMG Guidelines, 2015. Collection method: clinical testing. Allele origin: germline. Observed: 4 variant alleles.

Illumina Laboratory Services, Illumina
Classification: Benign for Congenital brain dysgenesis due to glutamine synthetase deficiency. Last evaluated: 2018-01-12. Review status: criteria provided, single submitter. Criteria: ICSL Variant Classification Criteria 13 December 2019. Collection method: clinical testing. Allele origin: germline.
Comment: This variant was observed in the ICSL laboratory as part of a predisposition screen in an ostensibly healthy population. It had not been previously curated by ICSL or reported in the Human Gene Mutation Database (HGMD: prior to June 1st, 2018), and was therefore a candidate for classification through an automated scoring system. Utilizing variant allele frequency, disease prevalence and penetrance estimates, and inheritance mode, an automated score was calculated to assess if this variant is too frequent to cause the disease. Based on the score and internal cut-off values, a variant classified as benign is not then subjected to further curation. The score for this variant resulted in a classification of benign for this disease.

Breakthrough Genomics
Classification: Benign. Review status: criteria provided, single submitter. Criteria: ACMG Guidelines, 2015. Collection method: not provided. Allele origin: germline. Inheritance: Autosomal recessive inheritance. Affected: yes.

NM_001033044.4(GLUL):c.768C>T (p.Phe256=)

Gene: GLUL (glutamate-ammonia ligase; minus strand). Cytogenetic location: 1q25.3.
Variant type: single nucleotide variant.
Coding change: c.768C>T on transcript NM_001033044.4 (MANE Select); coding-DNA position 768, C replaced by T.
Protein change: p.Phe256=; no amino-acid change (phenylalanine 256 retained).
Molecular consequence: synonymous variant.
Genome position (GRCh38, 1-based): chr1:182,385,392, G>A on the plus strand (C>T on the coding strand, the complement: GLUL is on the minus strand). VCF-style: chr1-182385392-G-A. GRCh37 (hg19) VCF-style: chr1-182354527-G-A.
Other names: p.Phe256=; c.768C>T, p.Phe256= (NM_001033056.4, NM_002065.7).
Identifiers: ClinVar variation 789699 (VCV000789699.15), dbSNP rs6684136, ClinGen allele CA1277048.